The following is an entry in ClinVar:

NM_003283.6(TNNT1):c.653C>G (p.Pro218Arg)

Gene: TNNT1 (troponin T1, slow skeletal type; minus strand). Cytogenetic location: 19q13.42.
Variant type: single nucleotide variant.
Coding change: c.653C>G on transcript NM_003283.6 (MANE Select); coding-DNA position 653, C replaced by G.
Protein change: p.Pro218Arg; replaces proline 218 with arginine.
Molecular consequence: missense variant. On other transcripts: intron variant (3).
Genome position (GRCh38, 1-based): chr19:55,134,163, G>C on the plus strand (C>G on the coding strand, the complement: TNNT1 is on the minus strand). VCF-style: chr19-55134163-G-C. GRCh37 (hg19) VCF-style: chr19-55645531-G-C.
Other names: c.579-7C>G (NM_001126133.3, NM_001291774.2); c.612-7C>G (NM_001126132.3); short protein forms P218R.
Identifiers: ClinVar variation 859097 (VCV000859097.8), dbSNP rs2085300916, ClinGen allele CA407432007.

ClinVar aggregate classification (germline): Uncertain significance (1 of 4 stars; one submission).

Conditions:
Nemaline myopathy 5 (NEM5A). Also called: NEMALINE MYOPATHY, AMISH TYPE; NEMALINE MYOPATHY 5A, AUTOSOMAL RECESSIVE, SEVERE INFANTILE; Nemaline myopathy 5, Amish type. Identifiers: Orphanet 98902, MedGen C1854380, MONDO:0011539, OMIM 605355.

Allele frequency attached by ClinVar (database versions not stated): gnomAD exomes below 0.00001.
gnomAD v4.1: 3 of 1,596,708 alleles (0.00019%); highest among the groups gnomAD compares: African/African-American, 0.0027%; no homozygotes.

Submission:

Labcorp Genetics (formerly Invitae), Labcorp
Classification: Uncertain significance for Nemaline myopathy 5. Last evaluated: 2022-03-18. Review status: criteria provided, single submitter. Criteria: Invitae Variant Classification Sherloc (09022015). Collection method: clinical testing. Allele origin: germline.
Comment: This sequence change replaces proline, which is neutral and non-polar, with arginine, which is basic and polar, at codon 218 of the TNNT1 protein (p.Pro218Arg). This variant is not present in population databases (gnomAD no frequency). In summary, the available evidence is currently insufficient to determine the role of this variant in disease. Therefore, it has been classified as a Variant of Uncertain Significance. Algorithms developed to predict the effect of sequence changes on RNA splicing suggest that this variant may create or strengthen a splice site. Algorithms developed to predict the effect of missense changes on protein structure and function are either unavailable or do not agree on the potential impact of this missense change (SIFT: "Deleterious"; PolyPhen-2: "Benign"; Align-GVGD: "Class C0"). ClinVar contains an entry for this variant (Variation ID: 859097). This variant has not been reported in the literature in individuals affected with TNNT1-related conditions.